The following is an entry in ClinVar:

ClinVar aggregate classification (germline): Uncertain significance (1 of 4 stars; one submission).

Allele frequency attached by ClinVar (database versions not stated): ExAC 0.00002; gnomAD exomes below 0.00001.
gnomAD v4.1: 6 of 1,613,786 alleles (0.00037%); highest among the groups gnomAD compares: Non-Finnish European, 0.00034%; no homozygotes.

Submission:

Labcorp Genetics (formerly Invitae), Labcorp
Classification: Uncertain significance. Last evaluated: 2022-03-14. Review status: criteria provided, single submitter. Criteria: Invitae Variant Classification Sherloc (09022015). Collection method: clinical testing. Allele origin: germline.
Comment: This variant is present in population databases (rs780366175, gnomAD 0.002%). In summary, the available evidence is currently insufficient to determine the role of this variant in disease. Therefore, it has been classified as a Variant of Uncertain Significance. Algorithms developed to predict the effect of missense changes on protein structure and function output the following: SIFT: "Tolerated"; PolyPhen-2: "Benign"; Align-GVGD: "Class C0". The isoleucine amino acid residue is found in multiple mammalian species, which suggests that this missense change does not adversely affect protein function. This variant has not been reported in the literature in individuals affected with RP1-related conditions. This sequence change replaces threonine, which is neutral and polar, with isoleucine, which is neutral and non-polar, at codon 1552 of the RP1 protein (p.Thr1552Ile).

NM_006269.2(RP1):c.4655C>T (p.Thr1552Ile)

Gene: RP1 (RP1 axonemal microtubule associated; plus strand). Cytogenetic location: 8q12.1.
Variant type: single nucleotide variant.
Coding change: c.4655C>T on transcript NM_006269.2 (MANE Select); coding-DNA position 4655, C replaced by T.
Protein change: p.Thr1552Ile; replaces threonine 1552 with isoleucine.
Molecular consequence: missense variant. On other transcripts: intron variant (1).
Genome position (GRCh38, 1-based): chr8:54,628,537, C>T. VCF-style: chr8-54628537-C-T. GRCh37 (hg19) VCF-style: chr8-55541097-C-T.
Other names: c.787+6249C>T (NM_001375654.1); short protein forms T1552I.
Identifiers: ClinVar variation 2055069 (VCV002055069.4), dbSNP rs780366175, ClinGen allele CA4751919.